The following is an entry in ClinVar:

NM_001042492.3(NF1):c.1260+2_1260+3insTT

Gene: NF1 (neurofibromin 1; plus strand). Cytogenetic location: 17q11.2.
Variant type: Insertion.
Coding change: c.1260+2_1260+3insTT on transcript NM_001042492.3 (MANE Select); the canonical splice donor site of the intron after coding-DNA position 1260 through 3 bases into the intron after coding-DNA position 1260, TT inserted.
Molecular consequence: splice donor variant.
Genome position: GRCh38 VCF-style: chr17-31201486-G-GTT. GRCh37 (hg19) VCF-style: chr17-29528504-G-GTT.
Other names: c.1260+2_1260+3insTT (NM_000267.4, NM_001128147.3).
Identifiers: ClinVar variation 862880 (VCV000862880.6), dbSNP rs1597682922, ClinGen allele CA916080596.

ClinVar aggregate classification (germline): Likely pathogenic (1 of 4 stars; one submission).

Conditions:
Neurofibromatosis, type 1 (NF1). Also called: Neurofibromatosis, type I; VON RECKLINGHAUSEN DISEASE; Peripheral type neurofibromatosis; NEUROFIBROMATOSIS, TYPE I, SOMATIC. Identifiers: Orphanet 636, MedGen C0027831, MONDO:0018975, OMIM 162200. Disease mechanism: loss of function.

Submission:

Labcorp Genetics (formerly Invitae), Labcorp
Classification: Likely pathogenic for Neurofibromatosis, type 1. Last evaluated: 2019-04-19. Review status: criteria provided, single submitter. Criteria: Invitae Variant Classification Sherloc (09022015). Collection method: clinical testing. Allele origin: germline.
Comment: In summary, the currently available evidence indicates that the variant is pathogenic, but additional data are needed to prove that conclusively. Therefore, this variant has been classified as Likely Pathogenic. Nucleotide substitutions within the consensus splice site are a relatively common cause of aberrant splicing (PMID: 17576681, 9536098). Algorithms developed to predict the effect of sequence changes on RNA splicing suggest that this variant may disrupt the consensus splice site, but this prediction has not been confirmed by published transcriptional studies. This variant is not present in population databases (ExAC no frequency). This sequence change falls in intron 11 of the NF1 gene. It does not directly change the encoded amino acid sequence of the NF1 protein, but it affects a nucleotide within the consensus splice site of the intron.

Literature cited by the submitters: PubMed 17576681; PubMed 9536098.